The following is an entry in ClinVar:

ClinVar aggregate classification (germline): Pathogenic (1 of 4 stars; one submission).

Conditions:
Brunet-Wagner neurodevelopmental syndrome (BRUWAG). Identifiers: MedGen C5562056, MONDO:0859217, OMIM 619690.

Submission:

3billion
Classification: Pathogenic for Brunet-Wagner neurodevelopmental syndrome. Last evaluated: 2022-01-03. Review status: criteria provided, single submitter. Criteria: ACMG Guidelines, 2015. Collection method: clinical testing. Allele origin: germline. Affected: yes. Observed: 1 homozygote.
Comment: Frameshift: predicted to result in a loss or disruption of normal protein function through nonsense-mediated decay (NMD) or protein truncation. Multiple pathogenic variants are reported downstream of the variant (PVS1_VS). Therefore, this variant is classified as pathogenic according to the recommendation of ACMG/AMP guideline.

NM_005611.4(RBL2):c.1596_1597del (p.Leu533fs)

Gene: RBL2 (RB transcriptional corepressor like 2; plus strand). Cytogenetic location: 16q12.2.
Variant type: Microsatellite.
Coding change: c.1596_1597del on transcript NM_005611.4 (MANE Select); coding-DNA positions 1596 to 1597, 2 bases deleted (CT; older notation c.1596_1597delCT).
Protein change: p.Leu533fs; shifts the reading frame from leucine 533.
Molecular consequence: frameshift variant.
Genome position (GRCh38, 1-based): chr16:53,464,261-53,464,262, CT deleted; deleting any 2 consecutive bases within chr16:53,464,256-53,464,262 gives the same sequence; the c. name uses the placement nearest the transcript's 3' end. VCF-style (leftmost placement, unchanged base first): chr16-53464255-ATC-A. GRCh37 (hg19) VCF-style: chr16-53498167-ATC-A.
Other names: c.1596_1597del, p.Leu533fs (NM_001323608.2, NM_001323609.2, NM_001323610.2); c.1374_1375del, p.Leu459fs (NM_001323611.1); short protein forms L459fs, L533fs.
Identifiers: ClinVar variation 1333650 (VCV001333650.1), dbSNP rs757065708, ClinGen allele CA8056378.